The following is an entry in ClinVar:

NM_012123.4(MTO1):c.806A>G (p.Asn269Ser)

Gene: MTO1 (mitochondrial tRNA translation optimization 1; plus strand). Cytogenetic location: 6q13.
Variant type: single nucleotide variant.
Coding change: c.806A>G on transcript NM_012123.4 (MANE Select); coding-DNA position 806, A replaced by G.
Protein change: p.Asn269Ser; replaces asparagine 269 with serine.
Molecular consequence: missense variant.
Genome position (GRCh38, 1-based): chr6:73,473,635, A>G. VCF-style: chr6-73473635-A-G. GRCh37 (hg19) VCF-style: chr6-74183358-A-G.
Other names: c.806A>G, p.Asn269Ser (NM_001123226.2, NM_133645.3); short protein forms N269S.
Identifiers: ClinVar variation 1060685 (VCV001060685.9), dbSNP rs76335462, ClinGen allele CA3889443.
Genomic context (GRCh38, chr6:73,473,635, plus strand): 5'-ATTTCAGTATTCTAAACAAGCATATACCGGACAATCCATCCATACCATTCAGCTTTACCA[A>G]TGAGACAGTATGGATTAAGGTAAGATACTTTACGAAAACCTGGCTTACAGCTGGTATTGG-3'
Protein context (NP_036255.2, residues 259-279): DNPSIPFSFT[Asn269Ser]ETVWIKPEDQ

ClinVar aggregate classification (germline): Uncertain significance. Review status: criteria provided, multiple submitters, no conflicts (2 of 4 stars). 2 submissions from 2 submitters: Uncertain significance (2). Last evaluated 2022-07-19.

Conditions:
Mitochondrial hypertrophic cardiomyopathy with lactic acidosis due to MTO1 deficiency. Also called: CARDIOMYOPATHY, INFANTILE HYPERTROPHIC MITOCHONDRIAL, AND LACTIC ACIDOSIS; Combined oxidative phosphorylation deficiency 10. Identifiers: Orphanet 314637, MedGen C4749921, MONDO:0013865, OMIM 614702.

Allele frequency attached by ClinVar (database versions not stated): ESP Exome Variant Server 0.00008; ExAC 0.00002; gnomAD exomes below 0.00001 and 0.00001; TOPMed 0.00002; gnomAD 0.00003.
gnomAD v4.1: 8 of 1,612,540 alleles (0.0005%); highest among the groups gnomAD compares: African/African-American, 0.008%; no homozygotes.

Submissions (3):

Labcorp Genetics (formerly Invitae), Labcorp
Classification: Uncertain significance for Mitochondrial hypertrophic cardiomyopathy with lactic acidosis due to MTO1 deficiency. Last evaluated: 2022-07-19. Review status: criteria provided, single submitter. Criteria: Invitae Variant Classification Sherloc (09022015). Collection method: clinical testing. Allele origin: germline.
Comment: This sequence change replaces asparagine, which is neutral and polar, with serine, which is neutral and polar, at codon 269 of the MTO1 protein (p.Asn269Ser). This variant is present in population databases (rs76335462, gnomAD 0.02%). This variant has not been reported in the literature in individuals affected with MTO1-related conditions. ClinVar contains an entry for this variant (Variation ID: 1060685). Algorithms developed to predict the effect of missense changes on protein structure and function output the following: SIFT: "Tolerated"; PolyPhen-2: "Benign"; Align-GVGD: "Class C0". The serine amino acid residue is found in multiple mammalian species, which suggests that this missense change does not adversely affect protein function. Algorithms developed to predict the effect of sequence changes on RNA splicing suggest that this variant may create or strengthen a splice site. In summary, the available evidence is currently insufficient to determine the role of this variant in disease. Therefore, it has been classified as a Variant of Uncertain Significance.

Breakthrough Genomics
Classification: Uncertain significance. Review status: criteria provided, single submitter. Criteria: ACMG Guidelines, 2015. Collection method: not provided. Allele origin: germline. Inheritance: Autosomal recessive inheritance. Affected: yes.

Dr. Peter K. Rogan Lab, Western University
No classification provided (evidence only). Condition: Thymoma. Review status: no classification provided. Collection method: in vitro. Allele origin: not applicable. Functional consequence: skipped exon, retained intron. Not counted in ClinVar's aggregate classification.